The following is an entry in ClinVar:

ClinVar aggregate classification (germline): Uncertain significance (1 of 4 stars; one submission).

Conditions:
Dyskeratosis congenita, autosomal recessive 6 (DKCB6). Identifiers: MedGen C4225356, MONDO:0014600, OMIM 616353.
Pulmonary fibrosis and/or bone marrow failure, Telomere-related, 4. Also called: PULMONARY FIBROSIS AND/OR BONE MARROW FAILURE SYNDROME, TELOMERE-RELATED, 4. Identifiers: Orphanet 2032, MedGen C4225347, MONDO:0014612, OMIM 616371.

Allele frequency attached by ClinVar (database versions not stated): TOPMed 0.00005; gnomAD 0.00006 and 0.00005; gnomAD exomes 0.00005 and 0.00006; ExAC 0.00005; ESP Exome Variant Server 0.00017.
gnomAD v4.1: 99 of 1,610,134 alleles (0.0061%); highest among the groups gnomAD compares: Admixed American, 0.0085%; no homozygotes.

Submission:

Labcorp Genetics (formerly Invitae), Labcorp
Classification: Uncertain significance for Dyskeratosis congenita, autosomal recessive 6; Pulmonary fibrosis and/or bone marrow failure, Telomere-related, 4. Last evaluated: 2025-12-15. Review status: criteria provided, single submitter. Criteria: Invitae Variant Classification Sherloc (09022015). Collection method: clinical testing. Allele origin: germline.
Comment: This sequence change replaces alanine, which is neutral and non-polar, with serine, which is neutral and polar, at codon 501 of the PARN protein (p.Ala501Ser). This variant is present in population databases (rs199651788, gnomAD 0.01%). This variant has not been reported in the literature in individuals affected with PARN-related conditions. ClinVar contains an entry for this variant (Variation ID: 662569). Invitae Evidence Modeling of protein sequence and biophysical properties (such as structural, functional, and spatial information, amino acid conservation, physicochemical variation, residue mobility, and thermodynamic stability) indicates that this missense variant is not expected to disrupt PARN protein function with a negative predictive value of 80%. In summary, the available evidence is currently insufficient to determine the role of this variant in disease. Therefore, it has been classified as a Variant of Uncertain Significance.

NM_002582.4(PARN):c.1501G>T (p.Ala501Ser)

Gene: PARN (poly(A)-specific ribonuclease; minus strand). Cytogenetic location: 16p13.12.
Variant type: single nucleotide variant.
Coding change: c.1501G>T on transcript NM_002582.4 (MANE Select); coding-DNA position 1501, G replaced by T.
Protein change: p.Ala501Ser; replaces alanine 501 with serine.
Molecular consequence: missense variant.
Genome position (GRCh38, 1-based): chr16:14,482,807, C>A on the plus strand (G>T on the coding strand, the complement: PARN is on the minus strand). VCF-style: chr16-14482807-C-A. GRCh37 (hg19) VCF-style: chr16-14576664-C-A.
Other names: c.1501G>T, p.Ala501Ser (LRG_1286t1); c.1318G>T, p.Ala440Ser (NM_001134477.3); c.1363G>T, p.Ala455Ser (NM_001242992.2); short protein forms A501S, A440S, A455S.
Identifiers: ClinVar variation 662569 (VCV000662569.9), dbSNP rs199651788, ClinGen allele CA7911997.